The following is an entry in ClinVar:

ClinVar aggregate classification (germline): Likely benign (1 of 4 stars; one submission).

Allele frequency attached by ClinVar (database versions not stated): ExAC 0.00008; ESP Exome Variant Server 0.00008; 1000 Genomes Project 30x 0.00016; 1000 Genomes Project 0.00020.
gnomAD v4.1: 53 of 1,595,818 alleles (0.0033%); highest among the groups gnomAD compares: East Asian, 0.1%; no homozygotes.

Submission:

CeGaT Center for Human Genetics Tuebingen
Classification: Likely benign. Last evaluated: 2024-03-01. Review status: criteria provided, single submitter. Criteria: CeGaT Center For Human Genetics Tuebingen Variant Classification Criteria Version 2. Collection method: clinical testing. Allele origin: germline. Affected: yes. Observed: 1 variant allele.
Comment: P4HTM: BP4, BP7

NM_177939.3(P4HTM):c.1074-12C>A

Gene: P4HTM (prolyl 4-hydroxylase, transmembrane; plus strand). Cytogenetic location: 3p21.31.
Variant type: single nucleotide variant.
Coding change: c.1074-12C>A on transcript NM_177939.3 (MANE Select); 12 bases into the intron before coding-DNA position 1074, C replaced by A.
Molecular consequence: intron variant. On other transcripts: synonymous variant (1).
Genome position (GRCh38, 1-based): chr3:49,005,765, C>A. VCF-style: chr3-49005765-C-A. GRCh37 (hg19) VCF-style: chr3-49043198-C-A.
Other names: c.1245C>A, p.Pro415= (NM_177938.2).
Identifiers: ClinVar variation 3067469 (VCV003067469.21), dbSNP rs201767744, ClinGen allele CA2388509.